The following is an entry in ClinVar:

NM_000388.4(CASR):c.1622A>C (p.Asn541Thr)

Gene: CASR (calcium sensing receptor; plus strand). Cytogenetic location: 3q21.1.
Variant type: single nucleotide variant.
Coding change: c.1622A>C on transcript NM_000388.4 (MANE Select); coding-DNA position 1622, A replaced by C.
Protein change: p.Asn541Thr; replaces asparagine 541 with threonine.
Molecular consequence: missense variant.
Genome position (GRCh38, 1-based): chr3:122,282,126, A>C. VCF-style: chr3-122282126-A-C. GRCh37 (hg19) VCF-style: chr3-122000973-A-C.
Other names: c.1652A>C, p.Asn551Thr (NM_001178065.2); short protein forms N541T, N551T.
Identifiers: ClinVar variation 839053 (VCV000839053.10), dbSNP rs201202700, ClinGen allele CA354156138.

ClinVar aggregate classification (germline): Uncertain significance (1 of 4 stars; one submission).

Conditions:
Autosomal dominant hypocalcemia 1 (HYPOC1). Also called: HYPOCALCEMIA, FAMILIAL. Identifiers: MedGen C3715128, MONDO:0011013, OMIM 601198.
Familial hypocalciuric hypercalcemia (FHH). Also called: Familial benign hypercalcemia. Identifiers: Orphanet 405, MedGen C1809471, MONDO:0018458.

gnomAD v4.1: 3 of 1,614,066 alleles (0.00019%); highest among the groups gnomAD compares: East Asian, 0.0022%; no homozygotes.

Submission:

Labcorp Genetics (formerly Invitae), Labcorp
Classification: Uncertain significance for Familial hypocalciuric hypercalcemia; Autosomal dominant hypocalcemia 1. Last evaluated: 2020-06-30. Review status: criteria provided, single submitter. Criteria: Invitae Variant Classification Sherloc (09022015). Collection method: clinical testing. Allele origin: germline.
Comment: This sequence change replaces asparagine with threonine at codon 541 of the CASR protein (p.Asn541Thr). The asparagine residue is highly conserved and there is a small physicochemical difference between asparagine and threonine. In summary, the available evidence is currently insufficient to determine the role of this variant in disease. Therefore, it has been classified as a Variant of Uncertain Significance. Algorithms developed to predict the effect of missense changes on protein structure and function are either unavailable or do not agree on the potential impact of this missense change (SIFT: "Tolerated"; PolyPhen-2: "Possibly Damaging"; Align-GVGD: "Class C0"). This variant has not been reported in the literature in individuals with CASR-related conditions. This variant is not present in population databases (ExAC no frequency).